The following is an entry in ClinVar:

ClinVar aggregate classification (germline): Likely pathogenic. Review status: criteria provided, multiple submitters, no conflicts (2 of 4 stars). 2 submissions from 2 submitters: Likely pathogenic (2). Last evaluated 2025-06-30.

Allele frequency attached by ClinVar (database versions not stated): gnomAD exomes below 0.00001.
gnomAD v4.1: 1 of 1,551,664 alleles (0.000064%); highest among the groups gnomAD compares: Non-Finnish European, 0.000087%; no homozygotes.

Submissions (2):

GeneDx
Classification: Likely pathogenic. Last evaluated: 2025-06-30. Review status: criteria provided, single submitter. Criteria: GeneDx Variant Classification Process June 2021. Collection method: clinical testing. Allele origin: germline. Affected: yes.
Comment: Not observed at significant frequency in large population cohorts (gnomAD); In silico analysis supports that this missense variant has a deleterious effect on protein structure/function; This variant is associated with the following publications: (PMID: 35904121, 34750377)

CeGaT Center for Human Genetics Tuebingen
Classification: Likely pathogenic. Last evaluated: 2021-07-01. Review status: criteria provided, single submitter. Criteria: CeGaT Center For Human Genetics Tuebingen Variant Classification Criteria Version 2. Collection method: clinical testing. Allele origin: germline. Affected: yes. Observed: 1 variant allele.

NM_001287491.2(TET3):c.2732G>A (p.Arg911Gln)

Gene: TET3 (tet methylcytosine dioxygenase 3; plus strand). Cytogenetic location: 2p13.1.
Variant type: single nucleotide variant.
Coding change: c.2732G>A on transcript NM_001287491.2 (MANE Select); coding-DNA position 2732, G replaced by A.
Protein change: p.Arg911Gln; replaces arginine 911 with glutamine.
Molecular consequence: missense variant.
Genome position (GRCh38, 1-based): chr2:74,087,882, G>A. VCF-style: chr2-74087882-G-A. GRCh37 (hg19) VCF-style: chr2-74315009-G-A.
Other names: c.2732G>A (NM_001287491.1); c.2453G>A, p.Arg818Gln (NM_001366022.1); short protein forms R818Q, R911Q.
Identifiers: ClinVar variation 1298817 (VCV001298817.35), dbSNP rs2104065629, ClinGen allele CA347310730.